The following is an entry in ClinVar:

ClinVar aggregate classification (germline): Uncertain significance (1 of 4 stars; one submission).

gnomAD v4.1: 1 of 1,564,998 alleles (0.000064%); highest among the groups gnomAD compares: Non-Finnish European, 0.000086%; no homozygotes.

Submission:

GeneDx
Classification: Uncertain significance. Last evaluated: 2021-10-13. Review status: criteria provided, single submitter. Criteria: GeneDx Variant Classification Process June 2021. Collection method: clinical testing. Allele origin: germline. Affected: yes.
Comment: Not observed at significant frequency in large population cohorts (gnomAD); In silico analysis supports that this missense variant does not alter protein structure/function; Has not been previously published as pathogenic or benign to our knowledge

NM_024496.4(IRF2BPL):c.1783G>A (p.Gly595Ser)

Gene: IRF2BPL (interferon regulatory factor 2 binding protein like; minus strand). Cytogenetic location: 14q24.3.
Variant type: single nucleotide variant.
Coding change: c.1783G>A on transcript NM_024496.4 (MANE Select); coding-DNA position 1783, G replaced by A.
Protein change: p.Gly595Ser; replaces glycine 595 with serine.
Molecular consequence: missense variant.
Genome position (GRCh38, 1-based): chr14:77,026,010, C>T on the plus strand (G>A on the coding strand, the complement: IRF2BPL is on the minus strand). VCF-style: chr14-77026010-C-T. GRCh37 (hg19) VCF-style: chr14-77492353-C-T.
Other names: short protein forms G595S.
Identifiers: ClinVar variation 1676897 (VCV001676897.2), dbSNP rs2140377333, ClinGen allele CA390491823.